The following is an entry in ClinVar:

NM_003076.5(SMARCD1):c.449dup (p.Ala152fs)

Gene: SMARCD1 (SWI/SNF related BAF chromatin remodeling complex subunit D1; plus strand). Cytogenetic location: 12q13.12.
Variant type: Duplication.
Coding change: c.449dup on transcript NM_003076.5 (MANE Select); coding-DNA position 449, one base duplicated (T; older notation c.449dupT).
Protein change: p.Ala152fs; shifts the reading frame from alanine 152.
Molecular consequence: frameshift variant.
Genome position (GRCh38, 1-based): chr12:50,086,796, T duplicated. VCF-style (leftmost placement, unchanged base first): chr12-50086795-C-CT. GRCh37 (hg19) VCF-style: chr12-50480578-C-CT.
Other names: c.449dup, p.Ala152fs (NM_139071.3); short protein forms A152fs.
Identifiers: ClinVar variation 2663343 (VCV002663343.1), dbSNP rs2539487563, ClinGen allele CA2695199085.

ClinVar aggregate classification (germline): Uncertain significance (1 of 4 stars; one submission).

Submission:

GeneDx
Classification: Uncertain significance. Last evaluated: 2023-04-03. Review status: criteria provided, single submitter. Criteria: GeneDx Variant Classification Process June 2021. Collection method: clinical testing. Allele origin: germline. Affected: yes.
Comment: Not observed at significant frequency in large population cohorts (gnomAD); Frameshift variant predicted to result in protein truncation or nonsense mediated decay in a gene or region of a gene for which loss of function is not a well-established mechanism of disease; Has not been previously published as pathogenic or benign to our knowledge